The following is an entry in ClinVar:

ClinVar aggregate classification (germline): Uncertain significance. Review status: criteria provided, multiple submitters, no conflicts (2 of 4 stars). 5 submissions from 5 submitters: Uncertain significance (5). Last evaluated 2025-06-15.

Conditions:
Familial amyloid nephropathy with urticaria AND deafness (MWS). Also called: MUCKLE-WELLS SYNDROME; Urticaria, deafness and amyloidosis; CRYOPYRIN-ASSOCIATED PERIODIC SYNDROME 2; UDA SYNDROME; URTICARIA-DEAFNESS-AMYLOIDOSIS SYNDROME. Identifiers: Orphanet 575, MedGen C0268390, MONDO:0008633, OMIM 191900.
Familial cold autoinflammatory syndrome 1 (FCAS1). Also called: CRYOPYRIN-ASSOCIATED PERIODIC SYNDROME 1; Familial cold inflammatory syndrome 1. Identifiers: Orphanet 47045, MedGen C4551895, MONDO:0007349, OMIM 120100.
Chronic infantile neurological, cutaneous and articular syndrome (CINCA). Also called: Prieur Griscelli syndrome; CRYOPYRIN-ASSOCIATED PERIODIC SYNDROME 3; CINCA syndrome; CHRONIC NEUROLOGIC CUTANEOUS AND ARTICULAR SYNDROME. Identifiers: Orphanet 1451, MedGen C0409818, MONDO:0011776, OMIM 607115.
Keratitis fugax hereditaria. Also called: KERATOENDOTHELIITIS FUGAX HEREDITARIA. Identifiers: Orphanet 647815, MedGen C1835697, MONDO:0007849, OMIM 148200.
Hearing loss, autosomal dominant 34, with or without inflammation. Also called: DEAFNESS, AUTOSOMAL DOMINANT 34, WITH OR WITHOUT INFLAMMATION. Identifiers: MedGen C4521680, MONDO:0033261, OMIM 617772.
Cryopyrin associated periodic syndrome (CAPS). Identifiers: Orphanet 208650, MedGen C2316212, MONDO:0016168.

Allele frequency attached by ClinVar (database versions not stated): TOPMed 0.00003.
gnomAD v4.1: 19 of 1,614,086 alleles (0.0012%); highest among the groups gnomAD compares: Non-Finnish European, 0.0015%; no homozygotes.

Submissions (5):

Labcorp Genetics (formerly Invitae), Labcorp
Classification: Uncertain significance for Cryopyrin associated periodic syndrome. Last evaluated: 2025-06-15. Review status: criteria provided, single submitter. Criteria: Invitae Variant Classification Sherloc (09022015). Collection method: clinical testing. Allele origin: germline.
Comment: This sequence change replaces lysine, which is basic and polar, with asparagine, which is neutral and polar, at codon 930 of the NLRP3 protein (p.Lys930Asn). This variant is present in population databases (no rsID available, gnomAD 0.002%). This variant has not been reported in the literature in individuals affected with NLRP3-related conditions. ClinVar contains an entry for this variant (Variation ID: 234307). Invitae Evidence Modeling of protein sequence and biophysical properties (such as structural, functional, and spatial information, amino acid conservation, physicochemical variation, residue mobility, and thermodynamic stability) indicates that this missense variant is not expected to disrupt NLRP3 protein function with a negative predictive value of 95%. In summary, the available evidence is currently insufficient to determine the role of this variant in disease. Therefore, it has been classified as a Variant of Uncertain Significance.

Blueprint Genetics
Classification: Uncertain significance. Last evaluated: 2024-11-25. Review status: criteria provided, single submitter. Criteria: ACMG Guidelines, 2015. Collection method: clinical testing. Allele origin: germline.

GeneDx
Classification: Uncertain significance. Last evaluated: 2020-11-03. Review status: criteria provided, single submitter. Criteria: GeneDx Variant Classification Process June 2021. Collection method: clinical testing. Allele origin: germline. Affected: yes.
Comment: Not observed at a significant frequency in large population cohorts (Lek et al., 2016); In silico analysis supports that this missense variant has a deleterious effect on protein structure/function; Has not been previously published as pathogenic or benign to our knowledge

Centre for Mendelian Genomics, University Medical Centre Ljubljana
Classification: Uncertain significance for Chronic infantile neurological, cutaneous and articular syndrome. Last evaluated: 2019-10-16. Review status: criteria provided, single submitter. Criteria: ACMG Guidelines, 2015. Collection method: clinical testing. Allele origin: unknown. Affected: yes.
Comment: This variant was classified as: Uncertain significance. The available evidence on this variant's pathogenicity is insufficient or conflicting. The following ACMG criteria were applied in classifying this variant: BP4.

Fulgent Genetics
Classification: Uncertain significance for Familial cold autoinflammatory syndrome 1; Keratitis fugax hereditaria; Familial amyloid nephropathy with urticaria AND deafness; Chronic infantile neurological, cutaneous and articular syndrome; Hearing loss, autosomal dominant 34, with or without inflammation. Last evaluated: 2018-10-31. Review status: criteria provided, single submitter. Criteria: ACMG Guidelines, 2015. Collection method: clinical testing. Allele origin: unknown.

NM_001243133.2(NLRP3):c.2784A>C (p.Lys928Asn)

Gene: NLRP3 (NLR family pyrin domain containing 3; plus strand). Cytogenetic location: 1q44.
Variant type: single nucleotide variant.
Coding change: c.2784A>C on transcript NM_001243133.2 (MANE Select); coding-DNA position 2784, A replaced by C.
Protein change: p.Lys928Asn; replaces lysine 928 with asparagine.
Molecular consequence: missense variant.
Genome position (GRCh38, 1-based): chr1:247,444,092, A>C. VCF-style: chr1-247444092-A-C. GRCh37 (hg19) VCF-style: chr1-247607394-A-C.
Other names: c.2784A>C, p.Lys928Asn (NM_001079821.3); c.2613A>C, p.Lys871Asn (NM_001127461.3, NM_001127462.3); c.2790A>C, p.Lys930Asn (NM_004895.5); c.2442A>C, p.Lys814Asn (NM_183395.3); short protein forms K930N, K928N, K814N, K871N.
Identifiers: ClinVar variation 234307 (VCV000234307.18), dbSNP rs876660975, ClinGen allele CA10577236.